The following is an entry in ClinVar:

NM_004974.4(KCNA2):c.703T>G (p.Phe235Val)

Gene: KCNA2 (potassium voltage-gated channel subfamily A member 2; minus strand). Cytogenetic location: 1p13.3.
Variant type: single nucleotide variant.
Coding change: c.703T>G on transcript NM_004974.4 (MANE Select); coding-DNA position 703, T replaced by G.
Protein change: p.Phe235Val; replaces phenylalanine 235 with valine.
Molecular consequence: missense variant.
Genome position (GRCh38, 1-based): chr1:110,604,080, A>C on the plus strand (T>G on the coding strand, the complement: KCNA2 is on the minus strand). VCF-style: chr1-110604080-A-C. GRCh37 (hg19) VCF-style: chr1-111146702-A-C.
Other names: c.703T>G, p.Phe235Val (NM_001204269.2); short protein forms F235V.
Identifiers: ClinVar variation 2229343 (VCV002229343.2), dbSNP rs2524619506, ClinGen allele CA341603396.

ClinVar aggregate classification (germline): Uncertain significance (1 of 4 stars; one submission).

Conditions:
Inborn genetic diseases. Identifiers: MedGen C0950123, MeSH D030342.

Submission:

Ambry Genetics
Classification: Uncertain significance for Inborn genetic diseases. Last evaluated: 2021-03-02. Review status: criteria provided, single submitter. Criteria: Ambry Variant Classification Scheme 2023. Collection method: clinical testing. Allele origin: germline.
Comment: The c.703T>G (p.F235V) alteration is located in exon 3 (coding exon 1) of the KCNA2 gene. This alteration results from a T to G substitution at nucleotide position 703, causing the phenylalanine (F) at amino acid position 235 to be replaced by a valine (V). The p.F235V alteration is predicted to be deleterious by in silico analysis. Based on insufficient or conflicting evidence, the clinical significance of this alteration remains unclear.